The following is an entry in ClinVar:

NM_001868.4(CPA1):c.850G>A (p.Val284Met)

Gene: CPA1 (carboxypeptidase A1; plus strand). Cytogenetic location: 7q32.2.
Variant type: single nucleotide variant.
Coding change: c.850G>A on transcript NM_001868.4 (MANE Select); coding-DNA position 850, G replaced by A.
Protein change: p.Val284Met; replaces valine 284 with methionine.
Molecular consequence: missense variant.
Genome position (GRCh38, 1-based): chr7:130,385,208, G>A. VCF-style: chr7-130385208-G-A. GRCh37 (hg19) VCF-style: chr7-130025049-G-A.
Other names: short protein forms V284M.
Identifiers: ClinVar variation 1763678 (VCV001763678.5), dbSNP rs781805242, ClinGen allele CA4484980.

ClinVar aggregate classification (germline): Uncertain significance. Review status: criteria provided, multiple submitters, no conflicts (2 of 4 stars). 2 submissions from 2 submitters: Uncertain significance (2). Last evaluated 2025-12-21.

Conditions:
Hereditary pancreatitis (PCTT). Also called: PRSS1-Related Hereditary Pancreatitis; Hereditary chronic pancreatitis. Identifiers: Orphanet 676, MedGen C0238339, MONDO:0008185, OMIM 167800.

Allele frequency attached by ClinVar (database versions not stated): TOPMed 0.00001; gnomAD 0.00002.
gnomAD v4.1: 6 of 1,614,118 alleles (0.00037%); highest among the groups gnomAD compares: African/African-American, 0.004%; no homozygotes.

Submissions (2):

Labcorp Genetics (formerly Invitae), Labcorp
Classification: Uncertain significance. Last evaluated: 2025-12-21. Review status: criteria provided, single submitter. Criteria: Invitae Variant Classification Sherloc (09022015). Collection method: clinical testing. Allele origin: germline.
Comment: This sequence change replaces valine, which is neutral and non-polar, with methionine, which is neutral and non-polar, at codon 284 of the CPA1 protein (p.Val284Met). This variant is present in population databases (rs781805242, gnomAD 0.0009%). This variant has not been reported in the literature in individuals affected with CPA1-related conditions. ClinVar contains an entry for this variant (Variation ID: 1763678). Invitae Evidence Modeling of protein sequence and biophysical properties (such as structural, functional, and spatial information, amino acid conservation, physicochemical variation, residue mobility, and thermodynamic stability) indicates that this missense variant is not expected to disrupt CPA1 protein function with a negative predictive value of 80%. In summary, the available evidence is currently insufficient to determine the role of this variant in disease. Therefore, it has been classified as a Variant of Uncertain Significance.

Ambry Genetics
Classification: Uncertain significance for Hereditary pancreatitis. Last evaluated: 2025-08-25. Review status: criteria provided, single submitter. Criteria: Ambry Variant Classification Scheme 2023. Collection method: clinical testing. Allele origin: germline.